The following is an entry in ClinVar:

ClinVar aggregate classification (germline): Uncertain significance. Review status: criteria provided, multiple submitters, no conflicts (2 of 4 stars). 2 submissions from 2 submitters: Uncertain significance (2). Last evaluated 2023-12-11.

Conditions:
Fanconi anemia (FA). Also called: Fanconi's anemia. Identifiers: Orphanet 84, MedGen C0015625, MeSH D005199, MONDO:0019391.
Fanconi anemia complementation group I (FANCI). Also called: FANCI-Related Fanconi Anemia. Identifiers: Orphanet 84, MedGen C1836861, MONDO:0012186, OMIM 609053.

Allele frequency attached by ClinVar (database versions not stated): gnomAD exomes 0.00001; TOPMed 0.00001.
gnomAD v4.1: 3 of 1,613,994 alleles (0.00019%); highest among the groups gnomAD compares: East Asian, 0.0067%; no homozygotes.

Submissions (2):

Labcorp Genetics (formerly Invitae), Labcorp
Classification: Uncertain significance for Fanconi anemia. Last evaluated: 2023-12-11. Review status: criteria provided, single submitter. Criteria: Invitae Variant Classification Sherloc (09022015). Collection method: clinical testing. Allele origin: germline.
Comment: This sequence change replaces glycine, which is neutral and non-polar, with glutamic acid, which is acidic and polar, at codon 79 of the FANCI protein (p.Gly79Glu). This variant is present in population databases (no rsID available, gnomAD 0.006%). This variant has not been reported in the literature in individuals affected with FANCI-related conditions. ClinVar contains an entry for this variant (Variation ID: 456207). Advanced modeling of protein sequence and biophysical properties (such as structural, functional, and spatial information, amino acid conservation, physicochemical variation, residue mobility, and thermodynamic stability) performed at Invitae indicates that this missense variant is expected to disrupt FANCI protein function with a positive predictive value of 80%. In summary, the available evidence is currently insufficient to determine the role of this variant in disease. Therefore, it has been classified as a Variant of Uncertain Significance.

Fulgent Genetics
Classification: Uncertain significance for Fanconi anemia complementation group I. Last evaluated: 2022-04-07. Review status: criteria provided, single submitter. Criteria: ACMG Guidelines, 2015. Collection method: clinical testing. Allele origin: unknown.

NM_001113378.2(FANCI):c.236G>A (p.Gly79Glu)

Gene: FANCI (FA complementation group I; plus strand). Cytogenetic location: 15q26.1.
Variant type: single nucleotide variant.
Coding change: c.236G>A on transcript NM_001113378.2 (MANE Select); coding-DNA position 236, G replaced by A.
Protein change: p.Gly79Glu; replaces glycine 79 with glutamic acid.
Molecular consequence: missense variant. On other transcripts: 5 prime UTR variant (1).
Genome position (GRCh38, 1-based): chr15:89,260,791, G>A. VCF-style: chr15-89260791-G-A. GRCh37 (hg19) VCF-style: chr15-89804022-G-A.
Other names: c.-44G>A (NM_001376910.1); c.236G>A, p.Gly79Glu (NM_001376911.1, NM_018193.3); short protein forms G79E.
Identifiers: ClinVar variation 456207 (VCV000456207.9), dbSNP rs1415605220, ClinGen allele CA393738000.
Genomic context (GRCh38, chr15:89,260,791, plus strand): 5'-AAGCTGGAACACTTAGGAGACGTAAGATATACACTTGTTGTATCCAGTTGGTGGAATCGG[G>A]GGATTTGCAGAAAGAAATAGCGTCTGAGATCATAGGATTACTGATGCTGGAGGTAAGATG-3'
Protein context (NP_001106849.1, residues 69-89): YTCCIQLVES[Gly79Glu]DLQKEIASEI